The following is an entry in ClinVar:

NM_004260.4(RECQL4):c.1661A>G (p.His554Arg)

Gene: RECQL4 (RecQ like helicase 4; minus strand). Cytogenetic location: 8q24.3.
Variant type: single nucleotide variant.
Coding change: c.1661A>G on transcript NM_004260.4 (MANE Select); coding-DNA position 1661, A replaced by G.
Protein change: p.His554Arg; replaces histidine 554 with arginine.
Molecular consequence: missense variant.
Genome position (GRCh38, 1-based): chr8:144,514,485, T>C on the plus strand (A>G on the coding strand, the complement: RECQL4 is on the minus strand). VCF-style: chr8-144514485-T-C. GRCh37 (hg19) VCF-style: chr8-145739869-T-C.
Other names: short protein forms H554R.
Identifiers: ClinVar variation 459339 (VCV000459339.9), dbSNP rs779426316, ClinGen allele CA4948722.

ClinVar aggregate classification (germline): Uncertain significance. Review status: criteria provided, multiple submitters, no conflicts (2 of 4 stars). 2 submissions from 2 submitters: Uncertain significance (2). Last evaluated 2025-05-28.

Conditions:
Inborn genetic diseases. Identifiers: MedGen C0950123, MeSH D030342.
Baller-Gerold syndrome (BGS). Also called: CRANIOSYNOSTOSIS WITH RADIAL DEFECTS. Identifiers: Orphanet 1225, MedGen C0265308, MONDO:0009039, OMIM 218600.

Allele frequency attached by ClinVar (database versions not stated): gnomAD exomes below 0.00001 and 0.00001; ExAC 0.00001; gnomAD 0.00001; TOPMed 0.00002.
gnomAD v4.1: 7 of 1,612,098 alleles (0.00043%); highest among the groups gnomAD compares: South Asian, 0.0011%; no homozygotes.

Submissions (2):

Labcorp Genetics (formerly Invitae), Labcorp
Classification: Uncertain significance for Baller-Gerold syndrome. Last evaluated: 2025-05-28. Review status: criteria provided, single submitter. Criteria: Invitae Variant Classification Sherloc (09022015). Collection method: clinical testing. Allele origin: germline.
Comment: This sequence change replaces histidine, which is basic and polar, with arginine, which is basic and polar, at codon 554 of the RECQL4 protein (p.His554Arg). This variant is present in population databases (rs779426316, gnomAD 0.002%). This variant has not been reported in the literature in individuals affected with RECQL4-related conditions. ClinVar contains an entry for this variant (Variation ID: 459339). Invitae Evidence Modeling of protein sequence and biophysical properties (such as structural, functional, and spatial information, amino acid conservation, physicochemical variation, residue mobility, and thermodynamic stability) indicates that this missense variant is expected to disrupt RECQL4 protein function with a positive predictive value of 80%. In summary, the available evidence is currently insufficient to determine the role of this variant in disease. Therefore, it has been classified as a Variant of Uncertain Significance.

Ambry Genetics
Classification: Uncertain significance for Inborn genetic diseases. Last evaluated: 2025-03-28. Review status: criteria provided, single submitter. Criteria: Ambry Variant Classification Scheme 2023. Collection method: clinical testing. Allele origin: germline.